The following is an entry in ClinVar:

ClinVar aggregate classification (germline): Uncertain significance. Review status: criteria provided, multiple submitters, no conflicts (2 of 4 stars). 4 submissions from 4 submitters: Uncertain significance (4). Last evaluated 2025-10-15.

Conditions:
Choanal atresia-athelia-hypothyroidism-delayed puberty-short stature syndrome (BCAHH). Also called: BRANCHIAL ARCH ABNORMALITIES, CHOANAL ATRESIA, ATHELIA, HEARING LOSS, AND HYPOTHYROIDISM SYNDROME. Identifiers: Orphanet 589856, MedGen C5680310, MONDO:0035651, OMIM 620186.
Kabuki syndrome 1 (KABUK1). Also called: KMT2D-Related Kabuki Syndrome. Identifiers: Orphanet 2322, MedGen CN030661, MONDO:0007843, OMIM 147920.
KMT2D-related disorder. Also called: KMT2D-Related Disorders.
Kabuki syndrome. Also called: NIIKAWA-KUROKI SYNDROME; Kabuki make-up syndrome. Identifiers: Orphanet 2322, MedGen C0796004, MONDO:0016512.

Submissions (4):

PreventionGenetics, part of Exact Sciences
Classification: Uncertain significance for KMT2D-related condition. Last evaluated: 2025-10-15. Review status: criteria provided, single submitter. Criteria: ACMG Guidelines, 2015. Collection method: clinical testing. Allele origin: germline.
Comment: The KMT2D c.2250_2276dup27 variant is predicted to result in an in-frame duplication (p.Arg755_Pro763dup). To our knowledge, this variant has not been reported in the literature. This variant is reported in 0.0098% of alleles in individuals of South Asian descent in gnomAD. At this time, the clinical significance of this variant is uncertain due to the absence of conclusive functional and genetic evidence.

Labcorp Genetics (formerly Invitae), Labcorp
Classification: Uncertain significance for Kabuki syndrome. Last evaluated: 2024-10-24. Review status: criteria provided, single submitter. Criteria: Invitae Variant Classification Sherloc (09022015). Collection method: clinical testing. Allele origin: germline.
Comment: This variant, c.2250_2276dup, results in the insertion of 9 amino acid(s) of the KMT2D protein (p.Arg755_Pro763dup), but otherwise preserves the integrity of the reading frame. This variant is present in population databases (no rsID available, gnomAD 0.01%). This variant has not been reported in the literature in individuals affected with KMT2D-related conditions. ClinVar contains an entry for this variant (Variation ID: 1328773). Experimental studies and prediction algorithms are not available or were not evaluated, and the functional significance of this variant is currently unknown. In summary, the available evidence is currently insufficient to determine the role of this variant in disease. Therefore, it has been classified as a Variant of Uncertain Significance.

Fulgent Genetics
Classification: Uncertain significance for Kabuki syndrome 1; Choanal atresia-athelia-hypothyroidism-delayed puberty-short stature syndrome. Last evaluated: 2024-03-29. Review status: criteria provided, single submitter. Criteria: ACMG Guidelines, 2015. Collection method: clinical testing. Allele origin: germline.

GeneDx
Classification: Uncertain significance. Last evaluated: 2021-12-07. Review status: criteria provided, single submitter. Criteria: GeneDx Variant Classification Process June 2021. Collection method: clinical testing. Allele origin: germline. Affected: yes.
Comment: In-frame insertion of 9 amino acids in a non-repeat region; Has not been previously published as pathogenic or benign to our knowledge

NM_003482.4(KMT2D):c.2250_2276dup (p.746RPEEPHLSP[3])

Gene: KMT2D (lysine methyltransferase 2D; minus strand). Cytogenetic location: 12q13.12.
Variant type: Duplication.
Coding change: c.2250_2276dup on transcript NM_003482.4 (MANE Select); coding-DNA positions 2250 to 2276, 27 bases duplicated (GCACCTGTCCCCCCGGCCTGAGGAGCC).
Protein change: p.746RPEEPHLSP[3].
Molecular consequence: inframe insertion.
Genome position (GRCh38, 1-based): chr12:49,051,407-49,051,433, GGCTCCTCAGGCCGGGGGGACAGGTGC duplicated on the plus strand (GCACCTGTCCCCCCGGCCTGAGGAGCC on the coding strand, the reverse complement: KMT2D is on the minus strand); duplicating any 27 consecutive bases within chr12:49,051,407-49,051,450 gives the same sequence; the c. name uses the placement nearest the transcript's 3' end. VCF-style (leftmost placement, unchanged base first): chr12-49051406-T-TGGCTCCTCAGGCCGGGGGGACAGGTGC. GRCh37 (hg19) VCF-style: chr12-49445189-T-TGGCTCCTCAGGCCGGGGGGACAGGTGC.
Other names: c.2250_2276dup27 (NM_003482.3).
Identifiers: ClinVar variation 1328773 (VCV001328773.6), dbSNP rs587778449, ClinGen allele CA6548297.